The following is an entry in ClinVar:

NM_015450.3(POT1):c.619T>G (p.Leu207Val)

Gene: POT1 (protection of telomeres 1; minus strand). Cytogenetic location: 7q31.33.
Variant type: single nucleotide variant.
Coding change: c.619T>G on transcript NM_015450.3 (MANE Select); coding-DNA position 619, T replaced by G.
Protein change: p.Leu207Val; replaces leucine 207 with valine.
Molecular consequence: missense variant. On other transcripts: non-coding transcript variant (3).
Genome position (GRCh38, 1-based): chr7:124,859,040, A>C on the plus strand (T>G on the coding strand, the complement: POT1 is on the minus strand). VCF-style: chr7-124859040-A-C. GRCh37 (hg19) VCF-style: chr7-124499094-A-C.
Other names: c.619T>G (NM_015450.2); c.226T>G, p.Leu76Val (NM_001042594.2); short protein forms L207V, L76V.
Identifiers: ClinVar variation 1060946 (VCV001060946.10), dbSNP rs1410922436, ClinGen allele CA369056459.

ClinVar aggregate classification (germline): Uncertain significance. Review status: criteria provided, multiple submitters, no conflicts (2 of 4 stars). 2 submissions from 2 submitters: Uncertain significance (2). Last evaluated 2024-11-14.

Conditions:
Hereditary cancer-predisposing syndrome. Also called: Neoplastic Syndromes, Hereditary; Hereditary Cancer Syndrome; Hereditary neoplastic syndrome; Tumor predisposition. Identifiers: Orphanet 140162, MedGen C0027672, MeSH D009386, MONDO:0015356.
Tumor predisposition syndrome 3 (TPDS3). Also called: Melanoma, cutaneous malignant, susceptibility to, 10; Glioma susceptibility 9; LONG TELOMERE SYNDROME, POT1-RELATED; POT1 Tumor Predisposition. Identifiers: Orphanet 618, MedGen C4014476, MONDO:0014368, OMIM 615848.

Submissions (2):

Ambry Genetics
Classification: Uncertain significance for Hereditary cancer-predisposing syndrome. Last evaluated: 2024-11-14. Review status: criteria provided, single submitter. Criteria: Ambry Variant Classification Scheme 2023. Collection method: clinical testing. Allele origin: germline.
Comment: The p.L207V variant (also known as c.619T>G), located in coding exon 5 of the POT1 gene, results from a T to G substitution at nucleotide position 619. The leucine at codon 207 is replaced by valine, an amino acid with highly similar properties. This amino acid position is conserved. In addition, this alteration is predicted to be tolerated by in silico analysis. Based on the available evidence, the clinical significance of this variant remains unclear.

Labcorp Genetics (formerly Invitae), Labcorp
Classification: Uncertain significance for Tumor predisposition syndrome 3. Last evaluated: 2024-08-21. Review status: criteria provided, single submitter. Criteria: Invitae Variant Classification Sherloc (09022015). Collection method: clinical testing. Allele origin: germline.
Comment: This sequence change replaces leucine, which is neutral and non-polar, with valine, which is neutral and non-polar, at codon 207 of the POT1 protein (p.Leu207Val). This variant is not present in population databases (gnomAD no frequency). This variant has not been reported in the literature in individuals affected with POT1-related conditions. ClinVar contains an entry for this variant (Variation ID: 1060946). Invitae Evidence Modeling of protein sequence and biophysical properties (such as structural, functional, and spatial information, amino acid conservation, physicochemical variation, residue mobility, and thermodynamic stability) indicates that this missense variant is not expected to disrupt POT1 protein function with a negative predictive value of 80%. In summary, the available evidence is currently insufficient to determine the role of this variant in disease. Therefore, it has been classified as a Variant of Uncertain Significance.